The following is an entry in ClinVar:

ClinVar aggregate classification (germline): Conflicting classifications of pathogenicity. Review status: criteria provided, conflicting classifications (1 of 4 stars). 5 submissions from 5 submitters: Uncertain significance (1); Likely benign (2). 2 of the submissions do not count toward it. Last evaluated 2026-01-28.

Conditions:
RAPSN-related disorder. Also called: RAPSN-related disorders; RAPSN-related condition. Identifiers: MedGen CN239397.
Congenital myasthenic syndrome 11. Also called: MYASTHENIC SYNDROME, CONGENITAL, Ie; Myasthenic syndrome, congenital, 11, associated with acetylcholine receptor deficiency. Identifiers: Orphanet 590, MedGen C4225367, MONDO:0014588, OMIM 616326.
Fetal akinesia deformation sequence 1 (FADS1). Also called: Pena-Shokeir syndrome type I; Fetal akinesia sequence. Identifiers: Orphanet 994, MedGen C1276035, MONDO:0100101, OMIM 208150, HP:0001989.
Congenital myasthenic syndrome (CMS). Also called: Congenital Myasthenic Syndromes. Identifiers: Orphanet 590, MedGen C0751882, MeSH D020294, MONDO:0018940.

Allele frequency attached by ClinVar (database versions not stated): gnomAD exomes 0.00010 and 0.00018; gnomAD 0.00018 and 0.00019; TOPMed 0.00019.
gnomAD v4.1: 278 of 1,550,234 alleles (0.018%); highest among the groups gnomAD compares: Non-Finnish European, 0.022%; no homozygotes.

Submissions (5):

Labcorp Genetics (formerly Invitae), Labcorp
Classification: Likely benign for Congenital myasthenic syndrome 11; Fetal akinesia deformation sequence 1. Last evaluated: 2026-01-28. Review status: criteria provided, single submitter. Criteria: Invitae Variant Classification Sherloc (09022015). Collection method: clinical testing. Allele origin: germline.

CeGaT Center for Human Genetics Tuebingen
Classification: Likely benign. Last evaluated: 2023-04-01. Review status: criteria provided, single submitter. Criteria: CeGaT Center For Human Genetics Tuebingen Variant Classification Criteria Version 2. Collection method: clinical testing. Allele origin: germline. Affected: yes. Observed: 1 variant allele.
Comment: RAPSN: BP4, BP7

Eurofins Ntd Llc (ga)
Classification: Uncertain significance. Last evaluated: 2016-01-15. Review status: criteria provided, single submitter. Criteria: EGL Classification Definitions 2015. Collection method: clinical testing. Allele origin: germline. Observed: 1 variant allele, 1 heterozygote.

Natera, Inc.
Classification: Likely benign for Congenital myasthenic syndrome. Last evaluated: 2020-09-16. Review status: no assertion criteria provided. Collection method: clinical testing. Allele origin: germline. Not counted in ClinVar's aggregate classification.

PreventionGenetics, part of Exact Sciences
Classification: Likely benign for RAPSN-related condition. Last evaluated: 2019-07-03. Review status: no assertion criteria provided. Collection method: clinical testing. Allele origin: germline. Not counted in ClinVar's aggregate classification.
Comment: This variant is classified as likely benign based on ACMG/AMP sequence variant interpretation guidelines (Richards et al. 2015 PMID: 25741868, with internal and published modifications).

NM_005055.5(RAPSN):c.1203C>T (p.Asn401=)

Gene: RAPSN (receptor associated protein of the synapse; minus strand). Cytogenetic location: 11p11.2.
Variant type: single nucleotide variant.
Coding change: c.1203C>T on transcript NM_005055.5 (MANE Select); coding-DNA position 1203, C replaced by T.
Protein change: p.Asn401=; no amino-acid change (asparagine 401 retained).
Molecular consequence: synonymous variant.
Genome position (GRCh38, 1-based): chr11:47,438,011, G>A on the plus strand (C>T on the coding strand, the complement: RAPSN is on the minus strand). VCF-style: chr11-47438011-G-A. GRCh37 (hg19) VCF-style: chr11-47459562-G-A.
Other names: c.1026C>T, p.Asn342= (NM_032645.5).
Identifiers: ClinVar variation 285425 (VCV000285425.48), dbSNP rs757215612, ClinGen allele CA10605108.
Genomic context (GRCh38, chr11:47,438,011, plus strand): 5'-GAAGCCCACGCCTGCTGCCAGGAGTCATACAAAGCCAGGCTTCATGGATGAGCGGCGGCA[G>A]TTGGGACAGCTCCGGGTCCCGTTGTTCTGCAGGCACCTGGGGAGGCAAAGGGCCCTGTCC-3'
Protein context (NP_005046.2, residues 391-411): LQNNGTRSCP[Asn401=]CRRSSMKPGF